The following is an entry in ClinVar:

NM_144643.4(SCLT1):c.255A>G (p.Lys85=)

Gene: SCLT1 (sodium channel and clathrin linker 1; minus strand). Cytogenetic location: 4q28.2.
Variant type: single nucleotide variant.
Coding change: c.255A>G on transcript NM_144643.4 (MANE Select); coding-DNA position 255, A replaced by G.
Protein change: p.Lys85=; no amino-acid change (lysine 85 retained).
Molecular consequence: synonymous variant.
Genome position (GRCh38, 1-based): chr4:129,039,076, T>C on the plus strand (A>G on the coding strand, the complement: SCLT1 is on the minus strand). VCF-style: chr4-129039076-T-C. GRCh37 (hg19) VCF-style: chr4-129960231-T-C.
Other names: c.255A>G, p.Lys85= (NM_001300898.2); c.255A>G (NM_144643.3).
Identifiers: ClinVar variation 1531845 (VCV001531845.9), dbSNP rs746982148, ClinGen allele CA3080020.
Genomic context (GRCh38, chr4:129,039,076, plus strand): 5'-TAAAACCAATAGTTAATTGATTTACCTTTCATTTTCCTTGATGACATTTTCAAGTTGTAA[T>C]TTCATCTCACCCACCTGTTTCTGAAAGAATAAAATATGGTGTGGCAATACATTTTGCAGA-3'
Protein context (NP_653244.2, residues 75-95): KYYQKQVGEM[Lys85=]LQLENVIKEN

ClinVar aggregate classification (germline): Likely benign. Review status: criteria provided, multiple submitters, no conflicts (2 of 4 stars). 2 submissions from 2 submitters: Likely benign (2). Last evaluated 2026-01-12.

Conditions:
SCLT1-related disorder. Also called: SCLT1-related condition.

Allele frequency attached by ClinVar (database versions not stated): gnomAD exomes below 0.00001; ExAC 0.00001; TOPMed 0.00001.
gnomAD v4.1: 7 of 1,598,132 alleles (0.00044%); highest among the groups gnomAD compares: East Asian, 0.0045%; 1 homozygote.

Submissions (2):

Labcorp Genetics (formerly Invitae), Labcorp
Classification: Likely benign. Last evaluated: 2026-01-12. Review status: criteria provided, single submitter. Criteria: Invitae Variant Classification Sherloc (09022015). Collection method: clinical testing. Allele origin: germline.

PreventionGenetics, part of Exact Sciences
Classification: Likely benign for SCLT1-related condition. Last evaluated: 2024-12-26. Review status: criteria provided, single submitter. Criteria: ACMG Guidelines, 2015. Collection method: clinical testing. Allele origin: germline.
Comment: This variant is classified as likely benign based on ACMG/AMP sequence variant interpretation guidelines (Richards et al. 2015 PMID: 25741868, with internal and published modifications).